The following is an entry in ClinVar:

NM_024675.4(PALB2):c.1685-7T>G

Gene: PALB2 (partner and localizer of BRCA2; minus strand). Cytogenetic location: 16p12.2.
Variant type: single nucleotide variant.
Coding change: c.1685-7T>G on transcript NM_024675.4 (MANE Select); 7 bases into the intron before coding-DNA position 1685, T replaced by G.
Molecular consequence: intron variant.
Genome position (GRCh38, 1-based): chr16:23,630,476, A>C on the plus strand (T>G on the coding strand, the complement: PALB2 is on the minus strand). VCF-style: chr16-23630476-A-C. GRCh37 (hg19) VCF-style: chr16-23641797-A-C.
Identifiers: ClinVar variation 492168 (VCV000492168.18), dbSNP rs1555460705, ClinGen allele CA658683933.
Genomic context (GRCh38, chr16:23,630,476, plus strand): 5'-AAGCACTATTACTCCAAGAAAGGGAATCCTCTTTTTGATGACGACTTTTCTTCCCTAAAG[A>C]AGAAAAATAAGTCACAAAATAGTAACAAAACCCAACAAAACAGACAATCTGTTTCACTGA-3'

ClinVar aggregate classification (germline): Conflicting classifications of pathogenicity. Review status: criteria provided, conflicting classifications (1 of 4 stars). 5 submissions from 5 submitters: Uncertain significance (1); Likely benign (3). 1 of the submissions does not count toward it. Last evaluated 2026-01-14.

Conditions:
Hereditary cancer-predisposing syndrome. Also called: Hereditary neoplastic syndrome; Tumor predisposition; Hereditary Cancer Syndrome; Neoplastic Syndromes, Hereditary. Identifiers: Orphanet 140162, MedGen C0027672, MeSH D009386, MONDO:0015356.
Familial cancer of breast. Also called: Hereditary breast cancer; hereditary breast carcinoma; BREAST CANCER, FAMILIAL. Identifiers: Orphanet 227535, MedGen C0346153, MONDO:0016419, OMIM 114480. Disease mechanism: loss of function.

Allele frequency attached by ClinVar (database versions not stated): TOPMed below 0.00001; gnomAD exomes 0.00001.
gnomAD v4.1: 13 of 1,592,888 alleles (0.00082%); highest among the groups gnomAD compares: Non-Finnish European, 0.001%; no homozygotes.

Submissions (5):

Labcorp Genetics (formerly Invitae), Labcorp
Classification: Likely benign for Familial cancer of breast. Last evaluated: 2026-01-14. Review status: criteria provided, single submitter. Criteria: Invitae Variant Classification Sherloc (09022015). Collection method: clinical testing. Allele origin: germline.

Women's Health and Genetics/Laboratory Corporation of America, LabCorp
Classification: Likely benign. Last evaluated: 2025-04-28. Review status: criteria provided, single submitter. Criteria: LabCorp Variant Classification Summary - May 2015. Collection method: clinical testing. Allele origin: germline.

Myriad Genetics, Inc.
Classification: Uncertain significance for Familial cancer of breast. Last evaluated: 2023-03-30. Review status: criteria provided, single submitter. Criteria: Myriad Autosomal Dominant, Autosomal Recessive and X-Linked Classification Criteria (2023). Collection method: clinical testing. Allele origin: unknown.
Comment: This variant is classified as a variant of uncertain significance as there is insufficient evidence to determine its impact on protein function and/or cancer risk.

Color Diagnostics, LLC DBA Color Health
Classification: Likely benign for Hereditary cancer-predisposing syndrome. Last evaluated: 2017-09-05. Review status: criteria provided, single submitter. Criteria: ACMG Guidelines, 2015. Collection method: clinical testing. Allele origin: germline.

Counsyl
Classification: Likely benign for Familial cancer of breast. Last evaluated: 2018-04-10. Review status: no assertion criteria provided. Collection method: clinical testing. Allele origin: unknown. Not counted in ClinVar's aggregate classification.